The following is an entry in ClinVar:

NM_001267550.2(TTN):c.30683-17dup

Gene: TTN (titin; minus strand). Cytogenetic location: 2q31.2.
Variant type: Duplication.
Coding change: c.30683-17dup on transcript NM_001267550.2 (MANE Select); 17 bases into the intron before coding-DNA position 30683, one base duplicated (T; older notation c.30683-17dupT).
Molecular consequence: intron variant.
Genome position (GRCh38, 1-based): chr2:178,698,917, A duplicated on the plus strand (T on the coding strand, the reverse complement: TTN is on the minus strand); the first of 15 consecutive A bases (chr2:178,698,917-178,698,931); duplicating any one gives the same sequence. VCF-style (leftmost placement, unchanged base first): chr2-178698916-T-TA. GRCh37 (hg19) VCF-style: chr2-179563643-T-TA.
Other names: p.?; c.13282+39151dup (NM_003319.4); c.13858+39151dup (NM_133437.4); c.13657+39151dup (NM_133432.3); c.26951-17dup (NM_133378.4); c.29732-17dup (NM_001256850.1); c.30683-3dupT (NM_001267550.2); c.26951-3dupT (NM_133378.4); and 1 more.
Identifiers: ClinVar variation 281162 (VCV000281162.24), dbSNP rs368277751, ClinGen allele CA1999052.
Genomic context (GRCh38, chr2:178,698,916, plus strand): 5'-CATCTCTTTGGGCTTTGCAACAACTTTTTTGGCATCTTTCTTCACAGCCTTTTTGGTAAC[T>TA]AAAAAAAAAAAAAAAGAAAAAAAAAGAAAAAATATTTCTGGTGTAAGTAACTAAAATGCT-3'

ClinVar aggregate classification (germline): Benign/Likely benign. Review status: criteria provided, multiple submitters, no conflicts (2 of 4 stars). 15 submissions from 12 submitters: Benign (10); Likely benign (2). 3 of the submissions do not count toward it. Last evaluated 2024-11-26.

Conditions:
Autosomal recessive limb-girdle muscular dystrophy type 2J (LGMDR10). Also called: Limb-girdle muscular dystrophy, type 2J; MUSCULAR DYSTROPHY, LIMB-GIRDLE, AUTOSOMAL RECESSIVE 10. Identifiers: Orphanet 140922, MedGen C1837342, MONDO:0012127, OMIM 608807.
Dilated cardiomyopathy 1G (CMD1G). Identifiers: Orphanet 154, MedGen C1858763, MONDO:0011400, OMIM 604145.
Cardiomyopathy (CMYO). Also called: Cardiomyopathies. Identifiers: Orphanet 167848, MedGen C0878544, MONDO:0004994, HP:0001638. Inheritance: Various modes of inheritance.
Myopathy, myofibrillar, 9, with early respiratory failure (MFM9). Also called: Hereditary myopathy with early respiratory failure; Myopathy, distal, with early respiratory failure, autosomal dominant; EDSTROM MYOPATHY; MYOPATHY, PROXIMAL, WITH EARLY RESPIRATORY MUSCLE INVOLVEMENT. Identifiers: Orphanet 178464, Orphanet 34521, MedGen C1863599, MONDO:0011362, OMIM 603689.
Tibial muscular dystrophy (TMD). Also called: Tibial muscular dystrophy, tardive; Udd Distal Myopathy – Tibial Muscular Dystrophy; UDD MYOPATHY. Identifiers: Orphanet 609, MedGen C1838244, MONDO:0010870, OMIM 600334.
Early-onset myopathy with fatal cardiomyopathy (CMYO5). Also called: CONGENITAL MYOPATHY 5 WITH CARDIOMYOPATHY; Salih Myopathy. Identifiers: Orphanet 289377, MedGen C2673677, MONDO:0012714, OMIM 611705. Disease mechanism: loss of function.
Hypertrophic cardiomyopathy. Also called: HYPERTROPHIC MYOCARDIOPATHY. Identifiers: Orphanet 217569, MedGen C0007194, MeSH D002312, MONDO:0005045, HP:0001639.

Submissions (15):

Blueprint Genetics
Classification: Likely benign. Last evaluated: 2024-11-26. Review status: criteria provided, single submitter. Criteria: ACMG Guidelines, 2015. Collection method: clinical testing. Allele origin: germline.

Mayo Clinic Laboratories, Mayo Clinic
Classification: Benign. Last evaluated: 2023-05-23. Review status: criteria provided, single submitter. Criteria: ACMG Guidelines, 2015. Collection method: clinical testing. Allele origin: germline. Observed: 174 variant alleles.
Comment: BA1, BP4, BP7

Genome-Nilou Lab
Classification: Benign for Autosomal recessive limb-girdle muscular dystrophy type 2J. Last evaluated: 2021-09-10. Review status: criteria provided, single submitter. Criteria: ACMG Guidelines, 2015. Collection method: clinical testing. Allele origin: germline. Affected: no.

Genome-Nilou Lab
Classification: Benign for Myopathy, myofibrillar, 9, with early respiratory failure. Last evaluated: 2021-09-10. Review status: criteria provided, single submitter. Criteria: ACMG Guidelines, 2015. Collection method: clinical testing. Allele origin: germline. Affected: no.

Genome-Nilou Lab
Classification: Benign for Early-onset myopathy with fatal cardiomyopathy. Last evaluated: 2021-09-10. Review status: criteria provided, single submitter. Criteria: ACMG Guidelines, 2015. Collection method: clinical testing. Allele origin: germline. Affected: no.

Genome-Nilou Lab
Classification: Benign for Tibial muscular dystrophy. Last evaluated: 2021-09-10. Review status: criteria provided, single submitter. Criteria: ACMG Guidelines, 2015. Collection method: clinical testing. Allele origin: germline. Affected: no.

Women's Health and Genetics/Laboratory Corporation of America, LabCorp
Classification: Benign. Last evaluated: 2020-04-06. Review status: criteria provided, single submitter. Criteria: LabCorp Variant Classification Summary - May 2015. Collection method: clinical testing. Allele origin: germline.
Comment: Variant summary: TTN c.26951-3dupT alters a conserved nucleotide located close to a canonical splice site and therefore could affect mRNA splicing, leading to a significantly altered protein sequence. 4/4 computational tools predict no significant impact on normal splicing. However, these predictions have yet to be confirmed by functional studies. The variant allele was found at a frequency of 0.075 in 65808 control chromosomes in the gnomAD database, including 2 homozygotes. The observed variant frequency is approximately 120-fold the estimated maximal expected allele frequency for a pathogenic variant in TTN causing Cardiomyopathy phenotype (0.00063), strongly suggesting that the variant is benign. To our knowledge, no occurrence of c.26951-3dupT in individuals affected with Cardiomyopathy and no experimental evidence demonstrating its impact on protein function have been reported. Three clinical diagnostic laboratories have submitted clinical-significance assessments for this variant to ClinVar after 2014 without evidence for independent evaluation. All laboratories classified the variant as benign/likely benign. Based on the evidence outlined above, the variant was classified as benign.

Labcorp Genetics (formerly Invitae), Labcorp
Classification: Benign for Dilated cardiomyopathy 1G; Limb-girdle muscular dystrophy, type 2J. Last evaluated: 2019-12-31. Review status: criteria provided, single submitter. Criteria: Invitae Variant Classification Sherloc (09022015). Collection method: clinical testing. Allele origin: germline.

GeneDx
Classification: Benign. Last evaluated: 2019-08-10. Review status: criteria provided, single submitter. Criteria: GeneDx Variant Classification Process June 2021. Collection method: clinical testing. Allele origin: germline. Affected: yes.

CHEO Genetics Diagnostic Laboratory, Children's Hospital of Eastern Ontario
Classification: Benign for Cardiomyopathy. Last evaluated: 2019-05-06. Review status: criteria provided, single submitter. Criteria: ACMG Guidelines, 2015. Collection method: clinical testing. Allele origin: germline.

Center for Advanced Laboratory Medicine, UC San Diego Health, University of California San Diego
Classification: Likely benign for Hypertrophic cardiomyopathy. Last evaluated: 2018-02-07. Review status: criteria provided, single submitter. Criteria: ACMG Guidelines, 2015. Collection method: clinical testing. Allele origin: germline. Affected: yes. Observed: 1 variant allele.

Eurofins Ntd Llc (ga)
Classification: Benign. Last evaluated: 2016-06-28. Review status: criteria provided, single submitter. Criteria: EGL Classification Definitions. Collection method: clinical testing. Allele origin: germline. Observed: 22 variant alleles.

Clinical Genetics DNA and cytogenetics Diagnostics Lab, Erasmus MC, Erasmus Medical Center
Classification: Benign. Review status: no assertion criteria provided. Collection method: clinical testing. Allele origin: germline. Affected: yes. Study: VKGL Data-share Consensus. Not counted in ClinVar's aggregate classification.

Diagnostic Laboratory, Department of Genetics, University Medical Center Groningen
Classification: Benign. Review status: no assertion criteria provided. Collection method: clinical testing. Allele origin: germline. Affected: yes. Study: VKGL Data-share Consensus. Not counted in ClinVar's aggregate classification.

Laboratory of Diagnostic Genome Analysis, Leiden University Medical Center (LUMC)
Classification: Likely benign. Review status: no assertion criteria provided. Collection method: clinical testing. Allele origin: germline. Affected: yes. Study: VKGL Data-share Consensus. Not counted in ClinVar's aggregate classification.